The following is an entry in ClinVar:

ClinVar aggregate classification (germline): Uncertain significance (1 of 4 stars; one submission).

Conditions:
Welander distal myopathy (WDM). Also called: Gower's muscular dystrophy; Welander distal myopathy, Swedish type; Distal myopathy, Swedish type; MUSCULAR DYSTROPHY, DISTAL, LATE-ONSET, AUTOSOMAL DOMINANT. Identifiers: Orphanet 603, MedGen C0221054, MONDO:0011466, OMIM 604454.

Allele frequency attached by ClinVar (database versions not stated): TOPMed below 0.00001.

Submission:

Labcorp Genetics (formerly Invitae), Labcorp
Classification: Uncertain significance for Welander distal myopathy. Last evaluated: 2021-02-22. Review status: criteria provided, single submitter. Criteria: Invitae Variant Classification Sherloc (09022015). Collection method: clinical testing. Allele origin: germline.
Comment: In summary, the available evidence is currently insufficient to determine the role of this variant in disease. Therefore, it has been classified as a Variant of Uncertain Significance. Algorithms developed to predict the effect of missense changes on protein structure and function (SIFT, PolyPhen-2, Align-GVGD) all suggest that this variant is likely to be tolerated, but these predictions have not been confirmed by published functional studies and their clinical significance is uncertain. This variant has not been reported in the literature in individuals with TIA1-related disease. This variant is not present in population databases (ExAC no frequency). This sequence change replaces alanine with valine at codon 127 of the TIA1 protein (p.Ala127Val). The alanine residue is moderately conserved and there is a small physicochemical difference between alanine and valine.

NM_022173.4(TIA1):c.380C>T (p.Ala127Val)

Gene: TIA1 (TIA1 cytotoxic granule associated RNA binding protein; minus strand). Cytogenetic location: 2p13.3.
Variant type: single nucleotide variant.
Coding change: c.380C>T on transcript NM_022173.4 (MANE Select); coding-DNA position 380, C replaced by T.
Protein change: p.Ala127Val; replaces alanine 127 with valine.
Molecular consequence: missense variant. On other transcripts: 5 prime UTR variant (3), 3 prime UTR variant (1), non-coding transcript variant (17).
Genome position (GRCh38, 1-based): chr2:70,227,753, G>A on the plus strand (C>T on the coding strand, the complement: TIA1 is on the minus strand). VCF-style: chr2-70227753-G-A. GRCh37 (hg19) VCF-style: chr2-70454885-G-A.
Other names: c.380C>T, p.Ala127Val (NM_001351508.2, NM_001351516.2, NM_001351518.2 and 2 more transcripts); c.353C>T, p.Ala118Val (NM_001351509.2); c.347C>T, p.Ala116Val (NM_001351510.2, NM_001351521.2, NM_022037.4); c.269C>T, p.Ala90Val (NM_001351511.1); c.242C>T, p.Ala81Val (NM_001351512.1); c.236C>T, p.Ala79Val (NM_001351513.1); c.152C>T, p.Ala51Val (NM_001351514.2, NM_001351523.2); c.77C>T, p.Ala26Val (NM_001351515.2); and 4 more; short protein forms A127V, A116V, A79V, A90V, A118V, A26V, A51V, A81V.
Identifiers: ClinVar variation 580304 (VCV000580304.8), dbSNP rs1558837955, ClinGen allele CA347156136.
Genomic context (GRCh38, chr2:70,227,753, plus strand): 5'-TGTTTCTAATTAAAAGGATTTTATTTATCTTCTGTTACTTACGATATTCTTCCAAATGGT[G>A]CAAAAGCAGCTTTTATATCTTCAGTTGTAATTTCTGGGCTGAGATCACCAACAAAGACAT-3'
Protein context (NP_071505.2, residues 117-137): ITTEDIKAAF[Ala127Val]PFGRISDARV